The following is an entry in ClinVar:

ClinVar aggregate classification (germline): Pathogenic (1 of 4 stars; one submission).

Conditions:
Inborn genetic diseases. Identifiers: MedGen C0950123, MeSH D030342.

Submission:

Ambry Genetics
Classification: Pathogenic for Inborn genetic diseases. Last evaluated: 2025-07-22. Review status: criteria provided, single submitter. Criteria: Ambry Variant Classification Scheme 2023. Collection method: clinical testing. Allele origin: germline.
Comment: The c.1198C>T (p.Q400*) alteration, located in exon 9 (coding exon 9) of the EXOC7 gene, consists of a C to T substitution at nucleotide position 1198. This changes the amino acid from a glutamine (Q) to a stop codon at amino acid position 400. This alteration is expected to result in loss of function by premature protein truncation or nonsense-mediated mRNA decay. This allele was reported in one heterozygous individual in population-based cohorts in the Genome Aggregation Database (gnomAD). Based on the available evidence, this alteration is classified as pathogenic.

NM_001013839.4(EXOC7):c.1045C>T (p.Gln349Ter)

Gene: EXOC7 (exocyst complex component 7; minus strand). Cytogenetic location: 17q25.1.
Variant type: single nucleotide variant.
Coding change: c.1045C>T on transcript NM_001013839.4 (MANE Select); coding-DNA position 1045, C replaced by T.
Protein change: p.Gln349Ter; replaces glutamine 349 with a stop codon.
Molecular consequence: nonsense.
Genome position (GRCh38, 1-based): chr17:76,089,177, G>A on the plus strand (C>T on the coding strand, the complement: EXOC7 is on the minus strand). VCF-style: chr17-76089177-G-A. GRCh37 (hg19) VCF-style: chr17-74085258-G-A.
Other names: c.1198C>T, p.Gln400Ter (NM_001145297.4); c.1021C>T, p.Gln341Ter (NM_001145298.4); c.1114C>T, p.Gln372Ter (NM_001145299.4, NM_001375976.1); c.922C>T, p.Gln308Ter (NM_001282313.2); c.1045C>T, p.Gln349Ter (NM_001375974.1); c.952C>T, p.Gln318Ter (NM_001375975.1, NM_015219.5); short protein forms Q341*, Q400*, Q308*, Q372*, Q318*, Q349*.
Identifiers: ClinVar variation 4251971 (VCV004251971.1).
Genomic context (GRCh38, chr17:76,089,177, plus strand): 5'-GTCTGTTGTGACAGCTCTTGCTGGGGCTGGCTGCAGAGCCCCCGGGGCGGGGCGGGACCT[G>A]TATCAGGGAGTCGAAGGTCTTCTTCTGGTGGTGCTCGGGGATGATGTCGGCCAGCAGCTG-3'